The following is an entry in ClinVar:

NM_001042492.3(NF1):c.7729T>A (p.Tyr2577Asn)

Gene: NF1 (neurofibromin 1; plus strand). Cytogenetic location: 17q11.2.
Variant type: single nucleotide variant.
Coding change: c.7729T>A on transcript NM_001042492.3 (MANE Select); coding-DNA position 7729, T replaced by A.
Protein change: p.Tyr2577Asn; replaces tyrosine 2577 with asparagine.
Molecular consequence: missense variant.
Genome position (GRCh38, 1-based): chr17:31,356,573, T>A. VCF-style: chr17-31356573-T-A. GRCh37 (hg19) VCF-style: chr17-29683591-T-A.
Other names: c.7666T>A, p.Tyr2556Asn (NM_000267.4); short protein forms Y2556N, Y2577N.
Identifiers: ClinVar variation 4119154 (VCV004119154.1).

ClinVar aggregate classification (germline): Uncertain significance (1 of 4 stars; one submission).

Conditions:
Cardiovascular phenotype. Identifiers: MedGen CN230736.
Hereditary cancer-predisposing syndrome. Also called: Hereditary neoplastic syndrome; Neoplastic Syndromes, Hereditary; Tumor predisposition; Hereditary Cancer Syndrome. Identifiers: Orphanet 140162, MedGen C0027672, MeSH D009386, MONDO:0015356.

Submission:

Ambry Genetics
Classification: Uncertain significance for Cardiovascular phenotype; Hereditary cancer-predisposing syndrome. Last evaluated: 2025-08-20. Review status: criteria provided, single submitter. Criteria: Ambry Variant Classification Scheme 2023. Collection method: clinical testing. Allele origin: germline.
Comment: The p.Y2556N variant (also known as c.7666T>A), located in coding exon 51 of the NF1 gene, results from a T to A substitution at nucleotide position 7666. The tyrosine at codon 2556 is replaced by asparagine, an amino acid with dissimilar properties. This amino acid position is conserved. In addition, the in silico prediction for this alteration is inconclusive. Based on the available evidence, the clinical significance of this variant remains unclear.